The following is an entry in ClinVar:

NM_000297.4(PKD2):c.2543G>C (p.Arg848Pro)

Gene: PKD2 (polycystin 2, transient receptor potential cation channel; plus strand). Cytogenetic location: 4q22.1.
Variant type: single nucleotide variant.
Coding change: c.2543G>C on transcript NM_000297.4 (MANE Select); coding-DNA position 2543, G replaced by C.
Protein change: p.Arg848Pro; replaces arginine 848 with proline.
Molecular consequence: missense variant. On other transcripts: non-coding transcript variant (1).
Genome position (GRCh38, 1-based): chr4:88,074,832, G>C. VCF-style: chr4-88074832-G-C. GRCh37 (hg19) VCF-style: chr4-88995984-G-C.
Other names: short protein forms R848P.
Identifiers: ClinVar variation 3068642 (VCV003068642.5), dbSNP rs201598917, ClinGen allele CA357627532.
Genomic context (GRCh38, chr4:88,074,832, plus strand): 5'-GACAAGCACTTTGTCCCTCTGTACTGTGTTTTCCTTGCAGCCTGGTGAGACGAGTGGACC[G>C]GATGGAGCATTCCATCGGCAGCATAGTGTCCAAGATTGACGCCGTGATCGTGAAGCTAGA-3'
Protein context (NP_000288.1, residues 838-858): EFQVLVRRVD[Arg848Pro]MEHSIGSIVS

ClinVar aggregate classification (germline): Uncertain significance. Review status: criteria provided, multiple submitters, no conflicts (2 of 4 stars). 5 submissions from 5 submitters: Uncertain significance (5). Last evaluated 2026-01-06.

Conditions:
Autosomal dominant polycystic kidney disease. Identifiers: Orphanet 730, MedGen C0085413, MONDO:0004691.
Polycystic kidney disease 2 (PKD2). Also called: Polycystic Kidney Disease 2, Autosomal Dominant; POLYCYSTIC KIDNEY DISEASE, ADULT, TYPE II; POLYCYSTIC KIDNEY DISEASE 2 WITH OR WITHOUT POLYCYSTIC LIVER DISEASE. Identifiers: MedGen C2751306, MONDO:0013131, OMIM 613095.

Submissions (5):

Victorian Clinical Genetics Services, Murdoch Childrens Research Institute
Classification: Uncertain significance for Polycystic kidney disease 2. Last evaluated: 2026-01-06. Review status: criteria provided, single submitter. Criteria: ACMG Guidelines, 2015. Collection method: clinical testing. Allele origin: germline. Affected: yes.
Comment: This variant is classified as VUS-3B. Evidence in support of pathogenic classification: Variant is absent from gnomAD (v2, v3 and v4); Missense variant predicted to be damaging by in silico tool(s) or highly conserved with a major amino acid change. Additional information: Variant is predicted to result in a missense amino acid change from Arg to Pro; This variant is heterozygous; This gene is associated with autosomal dominant disease; Alternative amino acid change(s) at the same position are present in gnomAD (highest allele count: v4: 68 heterozygote(s), 0 homozygote(s)); Previous evidence of pathogenicity for this variant is inconclusive. This variant has been classified as a VUS by clinical laboratories in ClinVar. - No published evidence of segregation with disease has been identified for this variant; No published functional evidence has been identified for this variant; Another missense variant comparable to the one identified in this case has inconclusive previous evidence for pathogenicity. The p.(Arg848Gln) variant has been classified as a VUS by clinical laboratories in ClinVar. It has also been reported in the literature in an individual with intracranial aneurysms (PMID: 27567292) and in an individual with ADPKD, however the variant did not segregate with disease in the family (PMIDs: 17100995, 10369752); Variant is located in the annotated ferredoxin I 4Fe-4S cluster domain (DECIPHER); Loss of function is a known mechanism of disease in this gene and is associated with polycystic kidney disease 2 (MIM#613095); Inheritance information for this variant is not currently available in this individual.

Fulgent Genetics
Classification: Uncertain significance for Polycystic kidney disease 2. Last evaluated: 2024-06-10. Review status: criteria provided, single submitter. Criteria: ACMG Guidelines, 2015. Collection method: clinical testing. Allele origin: germline.

Molecular Genetics, Royal Melbourne Hospital
Classification: Uncertain significance for Autosomal dominant polycystic kidney disease. Last evaluated: 2022-11-03. Review status: criteria provided, single submitter. Criteria: ACMG Guidelines, 2015. Collection method: clinical testing. Allele origin: germline. Affected: yes.
Comment: This sequence change in PKD2 is predicted to replace arginine with proline at codon 848, p.(Arg848Pro). The arginine residue is highly conserved (95/96 vertebrates, UCSC), and is located in the ferredoxin I 4Fe-4S cluster cytoplasmic domain. There is a large physicochemical difference between arginine and proline. This variant is absent from the population database gnomAD v2.1/3.1. To our knowledge, this variant has not been reported in the literature in any individuals with autosomal dominant polycystic kidney disease. Multiple lines of computational evidence predict a deleterious effect for the missense substitution (5/6 algorithms). Based on the classification scheme RMH Modified ACMG Guidelines v1.5.1, this variant is classified as a VARIANT OF UNCERTAIN SIGNIFICANCE. Following criteria are met: PM2_Supporting, PP3.

Blueprint Genetics
Classification: Uncertain significance. Last evaluated: 2022-08-16. Review status: criteria provided, single submitter. Criteria: ACMG Guidelines, 2015. Collection method: clinical testing. Allele origin: germline.

Department of Pathology and Laboratory Medicine, Sinai Health System
Classification: Uncertain significance for Polycystic kidney disease 2. Last evaluated: 2022-01-19. Review status: criteria provided, single submitter. Criteria: ACMG Guidelines, 2015. Collection method: clinical testing. Allele origin: germline. Affected: yes.

Literature cited by the submitters: PubMed 27567292 (cited by Victorian Clinical Genetics Services, Murdoch Childrens Research Institute); PubMed 17100995 (cited by Victorian Clinical Genetics Services, Murdoch Childrens Research Institute); PubMed 10369752 (cited by Victorian Clinical Genetics Services, Murdoch Childrens Research Institute).